The following is an entry in ClinVar:

NM_152703.5(SAMD9L):c.359A>T (p.Asp120Val)

Gene: SAMD9L (sterile alpha motif domain containing 9 like; minus strand). Cytogenetic location: 7q21.2.
Variant type: single nucleotide variant.
Coding change: c.359A>T on transcript NM_152703.5 (MANE Select); coding-DNA position 359, A replaced by T.
Protein change: p.Asp120Val; replaces aspartic acid 120 with valine.
Molecular consequence: missense variant.
Genome position (GRCh38, 1-based): chr7:93,135,613, T>A on the plus strand (A>T on the coding strand, the complement: SAMD9L is on the minus strand). VCF-style: chr7-93135613-T-A. GRCh37 (hg19) VCF-style: chr7-92764926-T-A.
Other names: c.359A>T (NM_152703.2); c.359A>T, p.Asp120Val (NM_001303496.3, NM_001303497.3, NM_001303498.3 and 5 more transcripts); short protein forms D120V.
Identifiers: ClinVar variation 1366881 (VCV001366881.9), dbSNP rs141945092, ClinGen allele CA4343887.

ClinVar aggregate classification (germline): Conflicting classifications of pathogenicity. Review status: criteria provided, conflicting classifications (1 of 4 stars). 2 submissions from 2 submitters: Uncertain significance (1); Likely benign (1). Last evaluated 2025-10-31.

Conditions:
Inborn genetic diseases. Identifiers: MedGen C0950123, MeSH D030342.

Allele frequency attached by ClinVar (database versions not stated): gnomAD exomes 0.00001 and 0.00002; ExAC 0.00002; gnomAD 0.00009; ESP Exome Variant Server 0.00015.
gnomAD v4.1: 26 of 1,613,944 alleles (0.0016%); highest among the groups gnomAD compares: African/African-American, 0.028%; no homozygotes.

Submissions (2):

Labcorp Genetics (formerly Invitae), Labcorp
Classification: Uncertain significance. Last evaluated: 2025-10-31. Review status: criteria provided, single submitter. Criteria: Invitae Variant Classification Sherloc (09022015). Collection method: clinical testing. Allele origin: germline.
Comment: This sequence change replaces aspartic acid, which is acidic and polar, with valine, which is neutral and non-polar, at codon 120 of the SAMD9L protein (p.Asp120Val). This variant is present in population databases (rs141945092, gnomAD 0.04%). This variant has not been reported in the literature in individuals affected with SAMD9L-related conditions. ClinVar contains an entry for this variant (Variation ID: 1366881). An algorithm developed to predict the effect of missense changes on protein structure and function outputs the following: PolyPhen-2: "Not Available". The valine amino acid residue is found in multiple mammalian species, which suggests that this missense change does not adversely affect protein function. In summary, the available evidence is currently insufficient to determine the role of this variant in disease. Therefore, it has been classified as a Variant of Uncertain Significance.

Ambry Genetics
Classification: Likely benign for Inborn genetic diseases. Last evaluated: 2024-12-02. Review status: criteria provided, single submitter. Criteria: Ambry Variant Classification Scheme 2023. Collection method: clinical testing. Allele origin: germline.